The following is an entry in ClinVar:

ClinVar aggregate classification (germline): Conflicting classifications of pathogenicity. Review status: criteria provided, conflicting classifications (1 of 4 stars). 3 submissions from 2 submitters: Uncertain significance (2); Benign (1). Last evaluated 2025-09-26.

Conditions:
Atypical hemolytic-uremic syndrome with B factor anomaly. Also called: HEMOLYTIC UREMIC SYNDROME, ATYPICAL, SUSCEPTIBILITY TO, 4; AHUS, SUSCEPTIBILITY TO, 4. Identifiers: Orphanet 2134, MedGen C2752038, MONDO:0013042, OMIM 612924.
Atypical hemolytic-uremic syndrome. Identifiers: Orphanet 2134, MedGen C2931788, MONDO:0016244.
Macular degeneration. Also called: Degenerative disorder of macula. Identifiers: MedGen C0024437, MONDO:0003004, HP:0000608.

Allele frequency attached by ClinVar (database versions not stated): TOPMed 0.00036; gnomAD exomes 0.00042 and 0.00047; ESP Exome Variant Server 0.00047; gnomAD 0.00050 and 0.00052; ExAC 0.00055.

Submissions (3):

Genomenon, Inc
Classification: Uncertain significance for Atypical hemolytic-uremic syndrome. Last evaluated: 2025-09-26. Review status: criteria provided, single submitter. Criteria: Genomenon Sequence Variant Interpretation Standards - Updated. Collection method: curation. Allele origin: germline. Affected: yes.
Comment: CFB c.*47C>T is a variant located in the 3′ untranslated region (3' UTR). This variant has been observed in at least one proband affected with atypical hemolytic-uremic syndrome (PMID:37744338). In conclusion, we classify CFB c.*47C>T as a variant of uncertain significance.

Illumina Laboratory Services, Illumina
Classification: Benign for Atypical hemolytic-uremic syndrome with B factor anomaly. Last evaluated: 2018-01-13. Review status: criteria provided, single submitter. Criteria: ICSL Variant Classification Criteria 13 December 2019. Collection method: clinical testing. Allele origin: germline.
Comment: This variant was observed in the ICSL laboratory as part of a predisposition screen in an ostensibly healthy population. It had not been previously curated by ICSL or reported in the Human Gene Mutation Database (HGMD: prior to June 1st, 2018), and was therefore a candidate for classification through an automated scoring system. Utilizing variant allele frequency, disease prevalence and penetrance estimates, and inheritance mode, an automated score was calculated to assess if this variant is too frequent to cause the disease. Based on the score and internal cut-off values, a variant classified as benign is not then subjected to further curation. The score for this variant resulted in a classification of benign for this disease.

Illumina Laboratory Services, Illumina
Classification: Uncertain significance for Macular degeneration. Last evaluated: 2018-01-13. Review status: criteria provided, single submitter. Criteria: ICSL Variant Classification Criteria 13 December 2019. Collection method: clinical testing. Allele origin: germline.

Literature cited by the submitters: PubMed 37744338 (cited by Genomenon, Inc).

NM_001710.6(CFB):c.*47C>T

Gene: CFB (complement factor B; plus strand). Cytogenetic location: 6p21.33.
Variant type: single nucleotide variant.
Coding change: c.*47C>T on transcript NM_001710.6 (MANE Select); 47 bases downstream of the stop codon, C replaced by T.
Molecular consequence: 3 prime UTR variant.
Genome position (GRCh38, 1-based): chr6:31,952,077, C>T. VCF-style: chr6-31952077-C-T. GRCh37 (hg19) VCF-style: chr6-31919854-C-T.
Identifiers: ClinVar variation 356298 (VCV000356298.6), dbSNP rs375895797, ClinGen allele CA3728616.